The following is an entry in ClinVar:

ClinVar aggregate classification (germline): Uncertain significance (1 of 4 stars; one submission).

Conditions:
Cardiovascular phenotype. Identifiers: MedGen CN230736.

Allele frequency attached by ClinVar (database versions not stated): gnomAD exomes below 0.00001.
gnomAD v4.1: 4 of 1,614,170 alleles (0.00025%); highest among the groups gnomAD compares: East Asian, 0.0022%; no homozygotes.

Submission:

Ambry Genetics
Classification: Uncertain significance for Cardiovascular phenotype. Last evaluated: 2023-08-23. Review status: criteria provided, single submitter. Criteria: Ambry Variant Classification Scheme 2023. Collection method: clinical testing. Allele origin: germline.
Comment: The p.W336R variant (also known as c.1006T>C), located in coding exon 12 of the TMEM43 gene, results from a T to C substitution at nucleotide position 1006. The tryptophan at codon 336 is replaced by arginine, an amino acid with dissimilar properties. This amino acid position is highly conserved in available vertebrate species. In addition, the in silico prediction for this alteration is inconclusive. Since supporting evidence is limited at this time, the clinical significance of this alteration remains unclear.

NM_024334.3(TMEM43):c.1006T>C (p.Trp336Arg)

Gene: TMEM43 (transmembrane protein 43; plus strand). Cytogenetic location: 3p25.1.
Variant type: single nucleotide variant.
Coding change: c.1006T>C on transcript NM_024334.3 (MANE Select); coding-DNA position 1006, T replaced by C.
Protein change: p.Trp336Arg; replaces tryptophan 336 with arginine.
Molecular consequence: missense variant.
Genome position (GRCh38, 1-based): chr3:14,141,598, T>C. VCF-style: chr3-14141598-T-C. GRCh37 (hg19) VCF-style: chr3-14183098-T-C.
Other names: c.1009T>C, p.Trp337Arg (NM_001407274.1); c.1003T>C, p.Trp335Arg (NM_001407275.1, NM_001407276.1); c.1000T>C, p.Trp334Arg (NM_001407277.1); c.991T>C, p.Trp331Arg (NM_001407278.1); c.931T>C, p.Trp311Arg (NM_001407279.1); c.856T>C, p.Trp286Arg (NM_001407280.1); short protein forms W334R, W311R, W336R, W286R, W337R, W331R, W335R.
Identifiers: ClinVar variation 2586487 (VCV002586487.2), dbSNP rs1695246581, ClinGen allele CA351536353.